The following is an entry in ClinVar:

ClinVar aggregate classification (germline): Uncertain significance (1 of 4 stars; one submission).

gnomAD v4.1: 5 of 1,597,104 alleles (0.00031%); highest among the groups gnomAD compares: South Asian, 0.0055%; no homozygotes.

Submission:

Labcorp Genetics (formerly Invitae), Labcorp
Classification: Uncertain significance. Last evaluated: 2024-05-10. Review status: criteria provided, single submitter. Criteria: Invitae Variant Classification Sherloc (09022015). Collection method: clinical testing. Allele origin: germline.
Comment: This sequence change replaces aspartic acid, which is acidic and polar, with glutamic acid, which is acidic and polar, at codon 432 of the MMP13 protein (p.Asp432Glu). This variant is present in population databases (rs781841372, gnomAD 0.01%). This variant has not been reported in the literature in individuals affected with MMP13-related conditions. Advanced modeling of protein sequence and biophysical properties (such as structural, functional, and spatial information, amino acid conservation, physicochemical variation, residue mobility, and thermodynamic stability) performed at Invitae indicates that this missense variant is not expected to disrupt MMP13 protein function with a negative predictive value of 80%. In summary, the available evidence is currently insufficient to determine the role of this variant in disease. Therefore, it has been classified as a Variant of Uncertain Significance.

NM_002427.4(MMP13):c.1296T>A (p.Asp432Glu)

Gene: MMP13 (matrix metallopeptidase 13; minus strand). Cytogenetic location: 11q22.2.
Variant type: single nucleotide variant.
Coding change: c.1296T>A on transcript NM_002427.4 (MANE Select); coding-DNA position 1296, T replaced by A.
Protein change: p.Asp432Glu; replaces aspartic acid 432 with glutamic acid.
Molecular consequence: missense variant.
Genome position (GRCh38, 1-based): chr11:102,945,665, A>T on the plus strand (T>A on the coding strand, the complement: MMP13 is on the minus strand). VCF-style: chr11-102945665-A-T. GRCh37 (hg19) VCF-style: chr11-102816394-A-T.
Other names: short protein forms D432E.
Identifiers: ClinVar variation 3622892 (VCV003622892.2).